The following is an entry in ClinVar:

ClinVar aggregate classification (germline): Pathogenic (1 of 4 stars; one submission).

Allele frequency attached by ClinVar (database versions not stated): gnomAD exomes 0.00001.
gnomAD v4.1: 3 of 1,614,156 alleles (0.00019%); highest among the groups gnomAD compares: Non-Finnish European, 0.00025%; no homozygotes.

Submission:

Labcorp Genetics (formerly Invitae), Labcorp
Classification: Pathogenic. Last evaluated: 2021-07-01. Review status: criteria provided, single submitter. Criteria: Invitae Variant Classification Sherloc (09022015). Collection method: clinical testing. Allele origin: germline.
Comment: For these reasons, this variant has been classified as Pathogenic. Algorithms developed to predict the effect of sequence changes on RNA splicing suggest that this variant may disrupt the consensus splice site. Disruption of this splice site has been observed in individual(s) with junctional epidermolysis bullosa (PMID: 9242513). In at least one individual the data is consistent with the variant being in trans (on the opposite chromosome) from a pathogenic variant. This variant is not present in population databases (ExAC no frequency). This sequence change affects an acceptor splice site in intron 19 of the LAMB3 gene. It is expected to disrupt RNA splicing. Variants that disrupt the donor or acceptor splice site typically lead to a loss of protein function (PMID: 16199547), and loss-of-function variants in LAMB3 are known to be pathogenic (PMID: 11023379, 16473856).

Literature cited by the submitters: PubMed 9242513; PubMed 16199547; PubMed 11023379; PubMed 16473856.

NM_000228.3(LAMB3):c.2910-1G>A

Gene: LAMB3 (laminin subunit beta 3; minus strand). Cytogenetic location: 1q32.2.
Variant type: single nucleotide variant.
Coding change: c.2910-1G>A on transcript NM_000228.3 (MANE Select); the canonical splice acceptor site of the intron before coding-DNA position 2910, G replaced by A.
Molecular consequence: splice acceptor variant.
Genome position (GRCh38, 1-based): chr1:209,618,049, C>T on the plus strand (G>A on the coding strand, the complement: LAMB3 is on the minus strand). VCF-style: chr1-209618049-C-T. GRCh37 (hg19) VCF-style: chr1-209791394-C-T.
Other names: c.2910-1G>A (NM_001127641.1, NM_001017402.2).
Identifiers: ClinVar variation 1457094 (VCV001457094.6), dbSNP rs2102405986, ClinGen allele CA344584937.